The following is an entry in ClinVar:

ClinVar aggregate classification (germline): Pathogenic. Review status: criteria provided, multiple submitters, no conflicts (2 of 4 stars). 2 submissions from 2 submitters: Pathogenic (2). Last evaluated 2023-07-19.

Submissions (2):

GeneDx
Classification: Pathogenic. Last evaluated: 2023-07-19. Review status: criteria provided, single submitter. Criteria: GeneDx Variant Classification Process June 2021. Collection method: clinical testing. Allele origin: germline. Affected: yes.
Comment: Nonsense variant predicted to result in protein truncation or nonsense mediated decay in a gene for which loss of function is a known mechanism of disease; Not observed at significant frequency in large population cohorts (gnomAD); This variant is associated with the following publications: (PMID: 29304373, 34958143)

ARUP Laboratories, Molecular Genetics and Genomics, ARUP Laboratories
Classification: Pathogenic. Last evaluated: 2018-08-24. Review status: criteria provided, single submitter. Criteria: ARUP Molecular Germline Variant Investigation Process. Collection method: clinical testing. Allele origin: germline.
Comment: The CHD7 c.559C>T; p.Gln187Ter variant has been described in the literature in at least one individual with CHARGE syndrome (Aref-Eshghi 2018). It is absent from general population databases (1000 Genomes Project, Exome Variant Server, and Genome Aggregation Database), indicating it is not a common polymorphism. This variant induces an early termination codon and is predicted to result in a truncated protein or mRNA subject to nonsense-mediated decay. Additionally, several downstream truncating variants have been described in individuals with CHARGE syndrome (Aref-Eshghi 2018, Bartels 2010, Janssen 2012). Based on available information, this variant is considered pathogenic. References: Aref-Eshghi E et al. Genomic DNA Methylation Signatures Enable Concurrent Diagnosis and Clinical Genetic Variant Classification in Neurodevelopmental Syndromes. Am J Hum Genet. 2018 Jan 4;102(1):156-174. Bartels C et al. Mutations in the CHD7 gene: the experience of a commercial laboratory. Genet Test Mol Biomarkers. 2010 Dec;14(6):881-91. Janssen N et al. Mutation update on the CHD7 gene involved in CHARGE syndrome. Hum Mutat. 2012 Aug;33(8):1149-60.

NM_017780.4(CHD7):c.559C>T (p.Gln187Ter)

Gene: CHD7 (chromodomain helicase DNA binding protein 7; plus strand). Cytogenetic location: 8q12.2.
Variant type: single nucleotide variant.
Coding change: c.559C>T on transcript NM_017780.4 (MANE Select); coding-DNA position 559, C replaced by T.
Protein change: p.Gln187Ter; replaces glutamine 187 with a stop codon.
Molecular consequence: nonsense.
Genome position (GRCh38, 1-based): chr8:60,741,991, C>T. VCF-style: chr8-60741991-C-T. GRCh37 (hg19) VCF-style: chr8-61654550-C-T.
Other names: c.559C>T, p.Gln187Ter (NM_001316690.1); c.559C>T (NM_017780.2); short protein forms Q187*.
Identifiers: ClinVar variation 811739 (VCV000811739.9), dbSNP rs1586248834, ClinGen allele CA371297991.